The following is an entry in ClinVar:

NM_001164749.2(NPAS3):c.246A>C (p.Ala82=)

Gene: NPAS3 (neuronal PAS domain protein 3; plus strand). Cytogenetic location: 14q13.1.
Variant type: single nucleotide variant.
Coding change: c.246A>C on transcript NM_001164749.2 (MANE Select); coding-DNA position 246, A replaced by C.
Protein change: p.Ala82=; no amino-acid change (alanine 82 retained).
Molecular consequence: synonymous variant.
Genome position (GRCh38, 1-based): chr14:33,215,287, A>C. VCF-style: chr14-33215287-A-C. GRCh37 (hg19) VCF-style: chr14-33684493-A-C.
Other names: c.156A>C, p.Ala52= (NM_001165893.2, NM_001394988.1, NM_001394989.1 and 2 more transcripts).
Identifiers: ClinVar variation 2644157 (VCV002644157.24), dbSNP rs751945494, ClinGen allele CA7150349.

ClinVar aggregate classification (germline): Likely benign (1 of 4 stars; one submission).

Allele frequency attached by ClinVar (database versions not stated): TOPMed 0.00001.
gnomAD v4.1: 35 of 1,556,878 alleles (0.0022%); highest among the groups gnomAD compares: Non-Finnish European, 0.0031%; no homozygotes.

Submission:

CeGaT Center for Human Genetics Tuebingen
Classification: Likely benign. Last evaluated: 2023-08-01. Review status: criteria provided, single submitter. Criteria: CeGaT Center For Human Genetics Tuebingen Variant Classification Criteria Version 2. Collection method: clinical testing. Allele origin: germline. Affected: yes. Observed: 1 variant allele.
Comment: NPAS3: BP4, BP7